The following is an entry in ClinVar:

ClinVar aggregate classification (germline): Uncertain significance. Review status: criteria provided, multiple submitters, no conflicts (2 of 4 stars). 2 submissions from 2 submitters: Uncertain significance (2). Last evaluated 2025-09-01.

Conditions:
Hereditary cancer-predisposing syndrome. Also called: Hereditary neoplastic syndrome; Tumor predisposition; Neoplastic Syndromes, Hereditary; Hereditary Cancer Syndrome. Identifiers: Orphanet 140162, MedGen C0027672, MeSH D009386, MONDO:0015356.
Neuroblastoma, susceptibility to, 3. Also called: ALK-Related Neuroblastic Tumor Susceptibility. Identifiers: Orphanet 635, MedGen C2751681, MONDO:0013083, OMIM 613014.

Allele frequency attached by ClinVar (database versions not stated): gnomAD exomes below 0.00001.

Submissions (2):

Ambry Genetics
Classification: Uncertain significance for Hereditary cancer-predisposing syndrome. Last evaluated: 2025-09-01. Review status: criteria provided, single submitter. Criteria: Ambry Variant Classification Scheme 2023. Collection method: clinical testing. Allele origin: germline.
Comment: The p.R504K variant (also known as c.1511G>A), located in coding exon 7 of the ALK gene, results from a G to A substitution at nucleotide position 1511. The arginine at codon 504 is replaced by lysine, an amino acid with highly similar properties. This amino acid position is conserved. In addition, this alteration is predicted to be tolerated by in silico analysis. Since supporting evidence is limited at this time, the clinical significance of this alteration remains unclear.

Labcorp Genetics (formerly Invitae), Labcorp
Classification: Uncertain significance for Neuroblastoma, susceptibility to, 3. Last evaluated: 2024-09-08. Review status: criteria provided, single submitter. Criteria: Invitae Variant Classification Sherloc (09022015). Collection method: clinical testing. Allele origin: germline.
Comment: This sequence change replaces arginine, which is basic and polar, with lysine, which is basic and polar, at codon 504 of the ALK protein (p.Arg504Lys). This variant is not present in population databases (gnomAD no frequency). This variant has not been reported in the literature in individuals affected with ALK-related conditions. ClinVar contains an entry for this variant (Variation ID: 858007). An algorithm developed to predict the effect of missense changes on protein structure and function outputs the following: PolyPhen-2: "Benign". The lysine amino acid residue is found in multiple mammalian species, which suggests that this missense change does not adversely affect protein function. In summary, the available evidence is currently insufficient to determine the role of this variant in disease. Therefore, it has been classified as a Variant of Uncertain Significance.

NM_004304.5(ALK):c.1511G>A (p.Arg504Lys)

Gene: ALK (ALK receptor tyrosine kinase; minus strand). Cytogenetic location: 2p23.2.
Variant type: single nucleotide variant.
Coding change: c.1511G>A on transcript NM_004304.5 (MANE Select); coding-DNA position 1511, G replaced by A.
Protein change: p.Arg504Lys; replaces arginine 504 with lysine.
Molecular consequence: missense variant.
Genome position (GRCh38, 1-based): chr2:29,320,786, C>T on the plus strand (G>A on the coding strand, the complement: ALK is on the minus strand). VCF-style: chr2-29320786-C-T. GRCh37 (hg19) VCF-style: chr2-29543652-C-T.
Other names: short protein forms R504K.
Identifiers: ClinVar variation 858007 (VCV000858007.11), dbSNP rs1667011797, ClinGen allele CA346472310.